The following is an entry in ClinVar:

ClinVar aggregate classification (germline): Benign (1 of 4 stars; one submission).

Allele frequency attached by ClinVar (database versions not stated): 1000 Genomes Project 30x 0.02389; 1000 Genomes Project 0.02396; gnomAD 0.02657 and 0.02866; TOPMed 0.02956.
gnomAD v4.1: 6,463 of 921,286 alleles (0.7%); highest among the groups gnomAD compares: African/African-American, 9%; 263 homozygotes.

Submission:

GeneDx
Classification: Benign. Last evaluated: 2018-06-18. Review status: criteria provided, single submitter. Criteria: GeneDx Variant Classification (06012015). Collection method: clinical testing. Allele origin: germline. Affected: yes.
Comment: This variant is considered likely benign or benign based on one or more of the following criteria: it is a conservative change, it occurs at a poorly conserved position in the protein, it is predicted to be benign by multiple in silico algorithms, and/or has population frequency not consistent with disease.

NM_001105206.3(LAMA4):c.966+144A>T

Gene: LAMA4 (laminin subunit alpha 4; minus strand). Cytogenetic location: 6q21.
Variant type: single nucleotide variant.
Coding change: c.966+144A>T on transcript NM_001105206.3 (MANE Select); 144 bases into the intron after coding-DNA position 966, A replaced by T.
Molecular consequence: intron variant.
Genome position (GRCh38, 1-based): chr6:112,187,306, T>A on the plus strand (A>T on the coding strand, the complement: LAMA4 is on the minus strand). VCF-style: chr6-112187306-T-A. GRCh37 (hg19) VCF-style: chr6-112508508-T-A.
Other names: c.945+144A>T (NM_002290.5, NM_001105207.3).
Identifiers: ClinVar variation 675659 (VCV000675659.1), dbSNP rs116042905, ClinGen allele CA3965959.